The following is an entry in ClinVar:

NM_201384.3(PLEC):c.10864A>G (p.Ile3622Val)

Gene: PLEC (plectin; minus strand). Cytogenetic location: 8q24.3.
Variant type: single nucleotide variant.
Coding change: c.10864A>G on transcript NM_201384.3 (MANE Select); coding-DNA position 10864, A replaced by G.
Protein change: p.Ile3622Val; replaces isoleucine 3622 with valine.
Molecular consequence: missense variant.
Genome position (GRCh38, 1-based): chr8:143,918,957, T>C on the plus strand (A>G on the coding strand, the complement: PLEC is on the minus strand). VCF-style: chr8-143918957-T-C. GRCh37 (hg19) VCF-style: chr8-144993125-T-C.
Other names: c.10798A>G, p.Ile3600Val (NM_201379.3); c.11275A>G, p.Ile3759Val (NM_201380.4); c.10768A>G, p.Ile3590Val (NM_201381.3); c.10864A>G, p.Ile3622Val (NM_201382.4); c.10876A>G, p.Ile3626Val (NM_201383.3); c.10945A>G, p.Ile3649Val (NM_000445.5); c.7564A>G, p.Ile2522Val (NM_001410941.1); c.10822A>G, p.Ile3608Val (NM_201378.4); short protein forms I2522V, I3590V, I3600V, I3608V, I3622V, I3626V, I3649V, I3759V.
Identifiers: ClinVar variation 3761719 (VCV003761719.2).

ClinVar aggregate classification (germline): Uncertain significance (1 of 4 stars; one submission).

Conditions:
Epidermolysis bullosa simplex with nail dystrophy (EBS5D). Identifiers: MedGen C4225309, MONDO:0014661, OMIM 616487.
Epidermolysis bullosa simplex, Ogna type (EBS5A). Also called: EPIDERMOLYSIS BULLOSA SIMPLEX 5A, OGNA TYPE; Pidermolysis bullosa simplex 5A, Ogna type. Identifiers: Orphanet 79401, MedGen C0432317, MONDO:0007555, OMIM 131950.
Autosomal recessive limb-girdle muscular dystrophy type 2Q (LGMDR17). Also called: MUSCULAR DYSTROPHY, LIMB-GIRDLE, AUTOSOMAL RECESSIVE 17. Identifiers: Orphanet 254361, MedGen C3150989, MONDO:0013390, OMIM 613723.
Epidermolysis bullosa simplex 5B, with muscular dystrophy (EBS5B). Also called: EPIDERMOLYSIS BULLOSA SIMPLEX AND LIMB-GIRDLE MUSCULAR DYSTROPHY; Epidermolysis bullosa simplex with muscular dystrophy. Identifiers: Orphanet 257, MedGen C2931072, MONDO:0009181, OMIM 226670.
Epidermolysis bullosa simplex 5C, with pyloric atresia (EBS5C). Also called: PLEC1-Related Epidermolysis Bullosa with Pyloric Atresia; PLEC-Related Epidermolysis Bullosa with Pyloric Atresia; Epidermolysis bullosa simplex with pyloric atresia. Identifiers: Orphanet 158684, MedGen C2677349, MONDO:0012807, OMIM 612138.

gnomAD v4.1: 2 of 1,610,822 alleles (0.00012%); highest among the groups gnomAD compares: Admixed American, 0.0017%; no homozygotes.

Submission:

Labcorp Genetics (formerly Invitae), Labcorp
Classification: Uncertain significance for Autosomal recessive limb-girdle muscular dystrophy type 2Q; Epidermolysis bullosa simplex, Ogna type; Epidermolysis bullosa simplex with nail dystrophy; Epidermolysis bullosa simplex 5C, with pyloric atresia; Epidermolysis bullosa simplex 5B, with muscular dystrophy. Last evaluated: 2024-08-26. Review status: criteria provided, single submitter. Criteria: Invitae Variant Classification Sherloc (09022015). Collection method: clinical testing. Allele origin: germline.
Comment: This sequence change replaces isoleucine, which is neutral and non-polar, with valine, which is neutral and non-polar, at codon 3649 of the PLEC protein (p.Ile3649Val). This variant is present in population databases (no rsID available, gnomAD 0.003%). This variant has not been reported in the literature in individuals affected with PLEC-related conditions. An algorithm developed to predict the effect of missense changes on protein structure and function (PolyPhen-2) suggests that this variant is likely to be disruptive. In summary, the available evidence is currently insufficient to determine the role of this variant in disease. Therefore, it has been classified as a Variant of Uncertain Significance.